The following is an entry in ClinVar:

NM_000064.4(C3):c.1463G>A (p.Arg488His)

Gene: C3 (complement C3; minus strand). Cytogenetic location: 19p13.3.
Variant type: single nucleotide variant.
Coding change: c.1463G>A on transcript NM_000064.4 (MANE Select); coding-DNA position 1463, G replaced by A.
Protein change: p.Arg488His; replaces arginine 488 with histidine.
Molecular consequence: missense variant.
Genome position (GRCh38, 1-based): chr19:6,711,003, C>T on the plus strand (G>A on the coding strand, the complement: C3 is on the minus strand). VCF-style: chr19-6711003-C-T. GRCh37 (hg19) VCF-style: chr19-6711014-C-T.
Other names: short protein forms R488H.
Identifiers: ClinVar variation 4780154 (VCV004780154.1).
Genomic context (GRCh38, chr19:6,711,003, plus strand): 5'-AACAAGGAGGAGGCGGGGGCTGAGGTTTCCAGGTGGCCACGGACCAGGTAGGTGTAGTAG[C>T]GGATCTTGGCCTCGTGGGCGCGGTCCATTCGCAGGAGGAAGTTGACGTTGAGGGTCTCCC-3'
Protein context (NP_000055.2, residues 478-498): RMDRAHEAKI[Arg488His]YYTYLIMNKG

ClinVar aggregate classification (germline): Uncertain significance (1 of 4 stars; one submission).

gnomAD v4.1: 10 of 1,614,070 alleles (0.00062%); highest among the groups gnomAD compares: South Asian, 0.0022%; no homozygotes.

Submission:

Labcorp Genetics (formerly Invitae), Labcorp
Classification: Uncertain significance. Last evaluated: 2025-11-03. Review status: criteria provided, single submitter. Criteria: Invitae Variant Classification Sherloc (09022015). Collection method: clinical testing. Allele origin: germline.
Comment: This sequence change replaces arginine, which is basic and polar, with histidine, which is basic and polar, at codon 488 of the C3 protein (p.Arg488His). This variant is not present in population databases (gnomAD no frequency). This variant has not been reported in the literature in individuals affected with C3-related conditions. Invitae Evidence Modeling of protein sequence and biophysical properties (such as structural, functional, and spatial information, amino acid conservation, physicochemical variation, residue mobility, and thermodynamic stability) indicates that this missense variant is not expected to disrupt C3 protein function with a negative predictive value of 80%. In summary, the available evidence is currently insufficient to determine the role of this variant in disease. Therefore, it has been classified as a Variant of Uncertain Significance.